The following is an entry in ClinVar:

NM_015046.7(SETX):c.6248G>T (p.Arg2083Ile)

Gene: SETX (senataxin; minus strand). Cytogenetic location: 9q34.13.
Variant type: single nucleotide variant.
Coding change: c.6248G>T on transcript NM_015046.7 (MANE Select); coding-DNA position 6248, G replaced by T.
Protein change: p.Arg2083Ile; replaces arginine 2083 with isoleucine.
Molecular consequence: missense variant.
Genome position (GRCh38, 1-based): chr9:132,288,312, C>A on the plus strand (G>T on the coding strand, the complement: SETX is on the minus strand). VCF-style: chr9-132288312-C-A. GRCh37 (hg19) VCF-style: chr9-135163699-C-A.
Other names: p.Arg2083Ile; c.6248G>T, p.Arg2083Ile (NM_001351527.2, NM_001351528.2); short protein forms R2083I.
Identifiers: ClinVar variation 873275 (VCV000873275.16), dbSNP rs751252138, ClinGen allele CA5296784.
Genomic context (GRCh38, chr9:132,288,312, plus strand): 5'-CCTCGGCATAGAGCTCGCTGCCGGGAAAGCTCATCCAGCTGATAATCTAGAAATTCCTTT[C>A]TTTTATGCATCGCCTGAACATGAGAAGGTAACTCTTTTTCTAATAAAAATAACAAATAAA-3'
Protein context (NP_055861.3, residues 2073-2093): LPSHVQAMHK[Arg2083Ile]KEFLDYQLDE

ClinVar aggregate classification (germline): Uncertain significance. Review status: criteria provided, multiple submitters, no conflicts (2 of 4 stars). 8 submissions from 7 submitters: Uncertain significance (8). Last evaluated 2025-09-10.

Conditions:
SETX-related disorder. Also called: SETX-related condition; SETX-related disorders. Identifiers: MedGen CN239403.
Amyotrophic lateral sclerosis (ALS). Also called: Charcot disease; Lou Gehrig disease. Identifiers: Orphanet 803, MedGen C0002736, MONDO:0004976, HP:0007354.
Spinocerebellar ataxia, autosomal recessive, with axonal neuropathy 2 (SCAN2). Also called: ATAXIA-OCULOMOTOR APRAXIA 2; Ataxia with Oculomotor Apraxia Type 2; Ataxia with Oculomotor Apraxia; Ataxia-ocular apraxia-2. Identifiers: Orphanet 64753, MedGen C1853761, MONDO:0018996, OMIM 606002.
Amyotrophic lateral sclerosis type 4 (ALS4). Also called: AMYOTROPHIC LATERAL SCLEROSIS 4, JUVENILE; NEURONOPATHY, DISTAL HEREDITARY MOTOR, WITH PYRAMIDAL FEATURES. Identifiers: Orphanet 357043, MedGen C1865409, MONDO:0011223, OMIM 602433.

Allele frequency attached by ClinVar (database versions not stated): gnomAD exomes below 0.00001; TOPMed below 0.00001; gnomAD 0.00001; ExAC 0.00002.
gnomAD v4.1: 6 of 1,614,032 alleles (0.00037%); highest among the groups gnomAD compares: Middle Eastern, 0.033%; no homozygotes.

Submissions (8):

PreventionGenetics, part of Exact Sciences
Classification: Uncertain significance for SETX-related condition. Last evaluated: 2025-09-10. Review status: criteria provided, single submitter. Criteria: ACMG Guidelines, 2015. Collection method: clinical testing. Allele origin: germline.
Comment: The SETX c.6248G>T variant is predicted to result in the amino acid substitution p.Arg2083Ile. This variant has been reported as a variant of uncertain significance in individuals with amyotrophic lateral sclerosis (Tunca et al. 2020. PubMed ID: 32579787; Table S10 in El Naofal et al. 2023. PubMed ID: 36703223). This variant has not been reported in a large population database (gnomAD), indicating this variant is rare. At this time, the clinical significance of this variant is uncertain due to the absence of conclusive functional and genetic evidence.

Mayo Clinic Laboratories, Mayo Clinic
Classification: Uncertain significance. Last evaluated: 2025-08-14. Review status: criteria provided, single submitter. Criteria: ACMG Guidelines, 2015. Collection method: clinical testing. Allele origin: germline. Observed: 1 variant allele.

Blueprint Genetics
Classification: Uncertain significance. Last evaluated: 2023-02-14. Review status: criteria provided, single submitter. Criteria: ACMG Guidelines, 2015. Collection method: clinical testing. Allele origin: germline.

Genome-Nilou Lab
Classification: Uncertain significance for Spinocerebellar ataxia, autosomal recessive, with axonal neuropathy 2. Last evaluated: 2023-02-08. Review status: criteria provided, single submitter. Criteria: ACMG Guidelines, 2015. Collection method: clinical testing. Allele origin: germline.

Genome-Nilou Lab
Classification: Uncertain significance for Amyotrophic lateral sclerosis type 4. Last evaluated: 2023-02-08. Review status: criteria provided, single submitter. Criteria: ACMG Guidelines, 2015. Collection method: clinical testing. Allele origin: germline.

Dubai Health Genomic Medicine Center, Dubai Health
Classification: Uncertain significance. Last evaluated: 2022-12-17. Review status: criteria provided, single submitter. Criteria: ACMG Guidelines, 2015. Collection method: clinical testing. Allele origin: germline. Affected: yes.

Suna and Inan Kirac Foundation Neurodegeneration Research Laboratory, Koc University
Classification: Uncertain significance for Amyotrophic lateral sclerosis. Last evaluated: 2020-03-31. Review status: criteria provided, single submitter. Criteria: ACMG Guidelines, 2015. Collection method: research. Allele origin: germline. Affected: yes. Observed: 1 variant allele.

Labcorp Genetics (formerly Invitae), Labcorp
Classification: Uncertain significance for Amyotrophic lateral sclerosis type 4; Spinocerebellar ataxia, autosomal recessive, with axonal neuropathy 2. Last evaluated: 2019-09-27. Review status: criteria provided, single submitter. Criteria: Invitae Variant Classification Sherloc (09022015). Collection method: clinical testing. Allele origin: germline.
Comment: This sequence change replaces arginine with isoleucine at codon 2083 of the SETX protein (p.Arg2083Ile). The arginine residue is moderately conserved and there is a moderate physicochemical difference between arginine and isoleucine. In summary, the available evidence is currently insufficient to determine the role of this variant in disease. Therefore, it has been classified as a Variant of Uncertain Significance. Algorithms developed to predict the effect of missense changes on protein structure and function are either unavailable or do not agree on the potential impact of this missense change (SIFT: "Deleterious"; PolyPhen-2: "Benign"; Align-GVGD: "Class C0"). This variant has not been reported in the literature in individuals with SETX-related conditions. This variant is present in population databases (rs751252138, ExAC 0.006%).

Literature cited by the submitters: PubMed 32579787 (cited by Mayo Clinic Laboratories, Mayo Clinic); PubMed 36703223 (cited by Mayo Clinic Laboratories, Mayo Clinic).